The following is an entry in ClinVar:

NM_020745.4(AARS2):c.595C>T (p.Arg199Cys)

Genes: AARS2 (alanyl-tRNA synthetase 2, mitochondrial; minus strand), POLR1C (RNA polymerase I and III subunit C; plus strand). Cytogenetic location: 6p21.1.
Variant type: single nucleotide variant.
Coding change: c.595C>T on transcript NM_020745.4 (MANE Select); coding-DNA position 595, C replaced by T.
Protein change: p.Arg199Cys; replaces arginine 199 with cysteine.
Molecular consequence: missense variant.
Genome position (GRCh38, 1-based): chr6:44,311,148, G>A on the plus strand (C>T on the coding strand, the complement: AARS2 is on the minus strand). VCF-style: chr6-44311148-G-A. GRCh37 (hg19) VCF-style: chr6-44278885-G-A.
Other names: short protein forms R199C.
Identifiers: ClinVar variation 213963 (VCV000213963.38), dbSNP rs200105202, ClinGen allele CA320112.

ClinVar aggregate classification (germline): Pathogenic/Likely pathogenic. Review status: criteria provided, multiple submitters, no conflicts (2 of 4 stars). 15 submissions from 15 submitters: Pathogenic (11); Likely pathogenic (3). 1 of the submissions does not count toward it. Last evaluated 2026-09-01.

Conditions:
Inborn genetic diseases. Identifiers: MedGen C0950123, MeSH D030342.
Cardiovascular phenotype. Identifiers: MedGen CN230736.
AARS2-related disorder. Also called: AARS2-related disorders; AARS2-related condition. Identifiers: MedGen CN381518, MONDO:1060240.
Combined oxidative phosphorylation defect type 8. Also called: CARDIOMYOPATHY, HYPERTROPHIC MITOCHONDRIAL, FATAL INFANTILE. Identifiers: Orphanet 319504, MedGen C4518839, MONDO:0013570, OMIM 614096.
Leukoencephalopathy, progressive, with ovarian failure (LKENP). Identifiers: Orphanet 99853, MedGen C4014588, MONDO:0014387, OMIM 615889.
Type 2 diabetes mellitus. Also called: Type II diabetes mellitus. Identifiers: MedGen C0011860, MeSH D003924, MONDO:0005148, OMIM 125853, HP:0005978.
Generalized muscle weakness. Identifiers: MedGen C0746674, HP:0003324.

Allele frequency attached by ClinVar (database versions not stated): TOPMed 0.00006; gnomAD 0.00007; ESP Exome Variant Server 0.00008; gnomAD exomes 0.00009 and 0.00011; ExAC 0.00012.
gnomAD v4.1: 172 of 1,613,986 alleles (0.011%); highest among the groups gnomAD compares: Middle Eastern, 0.016%; no homozygotes.

Submissions (15):

CeGaT Center for Human Genetics Tuebingen
Classification: Pathogenic. Last evaluated: 2026-09-01. Review status: criteria provided, single submitter. Criteria: CeGaT Center For Human Genetics Tuebingen Variant Classification Criteria Version 2. Collection method: clinical testing. Allele origin: germline. Affected: yes. Observed: 1 variant allele.
Comment: AARS2: PM3:Very Strong, PM2

Labcorp Genetics (formerly Invitae), Labcorp
Classification: Pathogenic. Last evaluated: 2025-06-05. Review status: criteria provided, single submitter. Criteria: Invitae Variant Classification Sherloc (09022015). Collection method: clinical testing. Allele origin: germline.
Comment: This sequence change replaces arginine, which is basic and polar, with cysteine, which is neutral and slightly polar, at codon 199 of the AARS2 protein (p.Arg199Cys). This variant is present in population databases (rs200105202, gnomAD 0.02%). This missense change has been observed in individual(s) with leukoencephalopathy (PMID: 24808023, 27749956). In at least one individual the data is consistent with being in trans (on the opposite chromosome) from a pathogenic variant. ClinVar contains an entry for this variant (Variation ID: 213963). Invitae Evidence Modeling of protein sequence and biophysical properties (such as structural, functional, and spatial information, amino acid conservation, physicochemical variation, residue mobility, and thermodynamic stability) indicates that this missense variant is not expected to disrupt AARS2 protein function with a negative predictive value of 80%. For these reasons, this variant has been classified as Pathogenic.

First Genomix Gene Laboratory, Genetic Diagnostics Department
Classification: Pathogenic for Combined oxidative phosphorylation defect type 8; Leukoencephalopathy, progressive, with ovarian failure. Last evaluated: 2025-05-20. Review status: criteria provided, single submitter. Criteria: ACMG Guidelines, 2015. Collection method: clinical testing. Allele origin: germline. Inheritance: Autosomal recessive inheritance. Affected: no. Observed: 1 variant allele.

GeneDx
Classification: Pathogenic. Last evaluated: 2025-03-03. Review status: criteria provided, single submitter. Criteria: GeneDx Variant Classification Process June 2021. Collection method: clinical testing. Allele origin: germline. Affected: yes.
Comment: In silico analysis supports that this missense variant has a deleterious effect on protein structure/function; This variant is associated with the following publications: (PMID: 39539319, 25705216, 27734837, 29749055, 31920941, 31099476, 27749956, 31885218, 24808023, 31980526, 31589614, 33144682, 34784527, 35305867, 29971983, 30706699, 36732629, 38253606, 38785530)

Blueprint Genetics
Classification: Pathogenic for AARS2-related disorders. Last evaluated: 2024-11-20. Review status: criteria provided, single submitter. Criteria: ACMG Guidelines, 2015. Collection method: clinical testing. Allele origin: germline. Affected: yes. Observed: 5 variant alleles.

Molecular Diagnostic Laboratory for Inherited Cardiovascular Disease, Montreal Heart Institute
Classification: Pathogenic for Cardiovascular phenotype. Last evaluated: 2023-07-31. Review status: criteria provided, single submitter. Criteria: ACMG Guidelines, 2015. Collection method: clinical testing. Allele origin: germline. Affected: yes.

Ambry Genetics
Classification: Likely pathogenic for Inborn genetic diseases. Last evaluated: 2022-07-13. Review status: criteria provided, single submitter. Criteria: Ambry Variant Classification Scheme 2023. Collection method: clinical testing. Allele origin: germline.
Comment: The c.595C>T (p.R199C) alteration is located in exon 4 (coding exon 4) of the AARS2 gene. This alteration results from a C to T substitution at nucleotide position 595, causing the arginine (R) at amino acid position 199 to be replaced by a cysteine (C). Based on data from gnomAD, the T allele has an overall frequency of 0.01% (26/282578) total alleles studied. The highest observed frequency was 0.02% (23/128984) of European (non-Finnish) alleles. This alteration has been detected in the homozygous state, and in trans with an AARS2 pathogenic mutation, in multiple individuals with mitochondrial alanyl-tRNA synthetase deficiency (Szpisjak, 2017; Carle, 2018; Lynch, 2016; Taglia, 2018; Srivastava, 2019; Xie, 2020; Cohen, 2022; Dallabona, 2014). This amino acid position is not well conserved in available vertebrate species. This alteration is predicted to be tolerated by in silico analysis. Based on the available evidence, this alteration is classified as likely pathogenic.

Revvity Omics, Revvity
Classification: Pathogenic. Last evaluated: 2021-10-25. Review status: criteria provided, single submitter. Criteria: ACMG Guidelines, 2015. Collection method: clinical testing. Allele origin: germline.

Center for Pediatric Genomic Medicine, Children's Mercy Hospital and Clinics
Classification: Pathogenic for Generalized muscle weakness. Last evaluated: 2021-10-15. Review status: criteria provided, single submitter. Criteria: ACMG Guidelines, 2015. Collection method: clinical testing. Allele origin: germline. Affected: yes.

Institute of Human Genetics, University of Leipzig Medical Center
Classification: Pathogenic for Leukoencephalopathy, progressive, with ovarian failure. Last evaluated: 2021-03-26. Review status: criteria provided, single submitter. Criteria: ACMG Guidelines, 2015. Collection method: clinical testing. Allele origin: unknown. Inheritance: Autosomal recessive inheritance. Affected: yes.
Comment: Criteria applied: PM3_VSTR,PS3_SUP,PM2_SUP,PP3

CENTOGENE GmbH and LLC - Guiding Precision Medicine
Classification: Pathogenic for Leukoencephalopathy, progressive, with ovarian failure. Last evaluated: 2020-05-05. Review status: criteria provided, single submitter. Criteria: ACMG Guidelines, 2015. Collection method: clinical testing. Allele origin: germline. Affected: yes.

Baylor Genetics
Classification: Likely pathogenic for Combined oxidative phosphorylation defect type 8. Last evaluated: 2019-09-30. Review status: criteria provided, single submitter. Criteria: ACMG Guidelines, 2015. Collection method: clinical testing. Allele origin: unknown. Affected: yes.
Comment: This variant was determined to be likely pathogenic according to ACMG Guidelines, 2015 [PMID:25741868].

Centre for Mendelian Genomics, University Medical Centre Ljubljana
Classification: Likely pathogenic for Combined oxidative phosphorylation defect type 8. Last evaluated: 2019-01-24. Review status: criteria provided, single submitter. Criteria: ACMG Guidelines, 2015. Collection method: clinical testing. Allele origin: unknown. Affected: yes.
Comment: This variant was classified as: Likely pathogenic. The following ACMG criteria were applied in classifying this variant: PM2,PP3,PP5.

Eurofins Ntd Llc (ga)
Classification: Pathogenic. Last evaluated: 2018-08-02. Review status: criteria provided, single submitter. Criteria: EGL ClinVar v180209 classification definitions. Collection method: clinical testing. Allele origin: germline. Observed: 1 variant allele, 1 heterozygote.

Gene Friend Way, National Innovation Center
Classification: Likely pathogenic for Type 2 diabetes mellitus. Last evaluated: 2025-01-01. Review status: no assertion criteria provided. Collection method: clinical testing. Allele origin: unknown. Affected: yes. Observed: 2 variant alleles. Not counted in ClinVar's aggregate classification.
Comment: In silico analysis supports that this missense variant has a deleterious effect on protein structure/function. POLR1C is associated with purine/pyrimidine metabolism, which is strongly linked with T2D progression (Hameed et al, 2022; PMID: 30814579; 31517540).

Literature cited by the submitters: PubMed 24808023 (cited by 3 submitters); PubMed 27749956 (cited by 3 submitters); PubMed 27734837 (cited by Ambry Genetics and Eurofins Ntd Llc (ga)); PubMed 29749055 (cited by Ambry Genetics and Eurofins Ntd Llc (ga)); PubMed 29971983 (cited by Ambry Genetics); PubMed 31099476 (cited by Ambry Genetics); PubMed 31885218 (cited by Ambry Genetics); PubMed 35305867 (cited by Ambry Genetics); PubMed 30814579 (cited by Gene Friend Way, National Innovation Center); PubMed 31517540 (cited by Gene Friend Way, National Innovation Center); DOI https (cited by Gene Friend Way, National Innovation Center).